The following is an entry in ClinVar:

NM_018947.6(CYCS):c.317A>C (p.Ter106Ser)

Gene: CYCS (cytochrome c, somatic; minus strand). Cytogenetic location: 7p15.3.
Variant type: single nucleotide variant.
Coding change: c.317A>C on transcript NM_018947.6 (MANE Select); coding-DNA position 317, A replaced by C.
Protein change: p.Ter106Ser.
Molecular consequence: stop lost.
Genome position (GRCh38, 1-based): chr7:25,123,702, T>G on the plus strand (A>C on the coding strand, the complement: CYCS is on the minus strand). VCF-style: chr7-25123702-T-G. GRCh37 (hg19) VCF-style: chr7-25163321-T-G.
Identifiers: ClinVar variation 1313680 (VCV001313680.2), dbSNP rs769230574, ClinGen allele CA367059942.

ClinVar aggregate classification (germline): Uncertain significance (1 of 4 stars; one submission).

Submission:

GeneDx
Classification: Uncertain significance. Last evaluated: 2020-12-15. Review status: criteria provided, single submitter. Criteria: GeneDx Variant Classification Process June 2021. Collection method: clinical testing. Allele origin: germline. Affected: yes.
Comment: Has not been previously published as pathogenic or benign to our knowledge; Normal stop codon changed to a Serine, leading to the addition of 1 amino acids at the C-terminus; Not observed in large population cohorts (Lek et al., 2016)